The following is an entry in ClinVar:

NM_002474.3(MYH11):c.2125C>T (p.Arg709Cys)

Gene: MYH11 (myosin heavy chain 11; minus strand). Cytogenetic location: 16p13.11.
Variant type: single nucleotide variant.
Coding change: c.2125C>T on transcript NM_002474.3 (MANE Select); coding-DNA position 2125, C replaced by T.
Protein change: p.Arg709Cys; replaces arginine 709 with cysteine.
Molecular consequence: missense variant.
Genome position (GRCh38, 1-based): chr16:15,748,102, G>A on the plus strand (C>T on the coding strand, the complement: MYH11 is on the minus strand). VCF-style: chr16-15748102-G-A. GRCh37 (hg19) VCF-style: chr16-15841959-G-A.
Other names: c.2146C>T, p.Arg716Cys (NM_001040113.2, NM_001040114.2); c.2125C>T, p.Arg709Cys (NM_022844.3); short protein forms R709C, R716C.
Identifiers: ClinVar variation 3069853 (VCV003069853.1), dbSNP rs567285465, ClinGen allele CA7922384.

ClinVar aggregate classification (germline): Uncertain significance (1 of 4 stars; one submission).

Conditions:
Familial thoracic aortic aneurysm and aortic dissection (TAAD). Also called: Thoracic aortic aneurysms and dissections. Identifiers: Orphanet 91387, MedGen C4707243, MONDO:0019625.

Allele frequency attached by ClinVar (database versions not stated): gnomAD exomes below 0.00001; ExAC 0.00001; gnomAD 0.00001; 1000 Genomes Project 30x 0.00016; 1000 Genomes Project 0.00020.
gnomAD v4.1: 4 of 1,614,114 alleles (0.00025%); highest among the groups gnomAD compares: South Asian, 0.0011%; no homozygotes.

Submission:

All of Us Research Program, National Institutes of Health
Classification: Uncertain significance for Familial thoracic aortic aneurysm and aortic dissection. Last evaluated: 2023-03-09. Review status: criteria provided, single submitter. Criteria: ACMG Guidelines, 2015. Collection method: clinical testing. Allele origin: germline. Inheritance: Autosomal dominant inheritance. Observed: 1 variant allele, 1 heterozygote.
Comment: This missense variant replaces arginine with cysteine at codon 716 of the MYH11 protein. This variant is also known as c.2125C>T, p.Arg709Cys based on a different transcript NM_002474.2. Computational prediction suggests that this variant may have deleterious impact on protein structure and function (internally defined REVEL score threshold >= 0.7, PMID: 27666373). To our knowledge, functional studies have not been reported for this variant. This variant has been reported in an individual affected with sudden unexpected death (PMID: 31024045). This variant has been identified in 1/251288 chromosomes in the general population by the Genome Aggregation Database (gnomAD). The available evidence is insufficient to determine the role of this variant in disease conclusively. Therefore, this variant is classified as a Variant of Uncertain Significance.

This study involves interpretation of variants in research participants for the purpose of population health screening. Participant phenotype was not available at the time of variant classification. Additional details can be found in publication PMID: 35346344, PMCID: PMC8962531

Literature cited by the submitters: PubMed 31024045.